The following is an entry in ClinVar:

NM_001692.4(ATP6V1B1):c.1021T>C (p.Ser341Pro)

Gene: ATP6V1B1 (ATPase H+ transporting V1 subunit B1; plus strand). Cytogenetic location: 2p13.3.
Variant type: single nucleotide variant.
Coding change: c.1021T>C on transcript NM_001692.4 (MANE Select); coding-DNA position 1021, T replaced by C.
Protein change: p.Ser341Pro; replaces serine 341 with proline.
Molecular consequence: missense variant.
Genome position (GRCh38, 1-based): chr2:70,963,273, T>C. VCF-style: chr2-70963273-T-C. GRCh37 (hg19) VCF-style: chr2-71190403-T-C.
Other names: c.1021T>C (NM_001692.3); short protein forms S341P.
Identifiers: ClinVar variation 3586886 (VCV003586886.2).

ClinVar aggregate classification (germline): Uncertain significance. Review status: criteria provided, multiple submitters, no conflicts (2 of 4 stars). 2 submissions from 2 submitters: Uncertain significance (2). Last evaluated 2026-04-14.

Conditions:
Renal tubular acidosis with progressive nerve deafness. Also called: RENAL TUBULAR ACIDOSIS, AUTOSOMAL RECESSIVE, WITH PROGRESSIVE NERVE DEAFNESS; RTA WITH PROGRESSIVE NERVE DEAFNESS; Distal Renal Tubular Acidosis with Progressive Sensorineural Deafness; renal tubular acidosis, distal, 2, with progressive sensorineural hearing loss. Identifiers: MedGen C0403554, MONDO:0009968, OMIM 267300.

gnomAD v4.1: 9 of 1,613,468 alleles (0.00056%); highest among the groups gnomAD compares: Non-Finnish European, 0.00076%; no homozygotes.

Submissions (2):

GeneDx
Classification: Uncertain significance. Last evaluated: 2026-04-14. Review status: criteria provided, single submitter. Criteria: GeneDx Variant Classification Process June 2021. Collection method: clinical testing. Allele origin: germline.
Comment: Not observed at significant frequency in large population cohorts (gnomAD); In silico analysis supports that this missense variant has a deleterious effect on protein structure/function; Has not been previously published as pathogenic or benign to our knowledge

Fulgent Genetics
Classification: Uncertain significance for Renal tubular acidosis with progressive nerve deafness. Last evaluated: 2024-04-14. Review status: criteria provided, single submitter. Criteria: ACMG Guidelines, 2015. Collection method: clinical testing. Allele origin: germline.